The following is an entry in ClinVar:

ClinVar aggregate classification (germline): Pathogenic (1 of 4 stars; one submission).

Submission:

GeneDx
Classification: Pathogenic. Last evaluated: 2021-03-23. Review status: criteria provided, single submitter. Criteria: GeneDx Variant Classification Process June 2021. Collection method: clinical testing. Allele origin: germline. Affected: yes.
Comment: Frameshift variant predicted to result in protein truncation or nonsense mediated decay in a gene for which loss-of-function is a known mechanism of disease; Not observed in large population cohorts (Lek et al., 2016); Has not been previously published as pathogenic or benign to our knowledge

NM_005121.3(MED13):c.5149del (p.Ser1717fs)

Gene: MED13 (mediator complex subunit 13; minus strand). Cytogenetic location: 17q23.2.
Variant type: Deletion.
Coding change: c.5149del on transcript NM_005121.3 (MANE Select); coding-DNA position 5149, one base deleted (T; older notation c.5149delT).
Protein change: p.Ser1717fs; shifts the reading frame from serine 1717.
Molecular consequence: frameshift variant.
Genome position (GRCh38, 1-based): chr17:61,961,695, A deleted on the plus strand (T on the coding strand, the reverse complement: MED13 is on the minus strand); the first of 5 consecutive A bases (chr17:61,961,695-61,961,699); deleting any one gives the same sequence. VCF-style (leftmost placement, unchanged base first): chr17-61961694-GA-G. GRCh37 (hg19) VCF-style: chr17-60039055-GA-G.
Other names: short protein forms S1717fs.
Identifiers: ClinVar variation 817070 (VCV000817070.3), dbSNP rs1603392097, ClinGen allele CA915950682.